The following is an entry in ClinVar:

NC_000012.11:g.(?_110719595)_(110720600_?)del

Gene: ATP2A2 (ATPase sarcoplasmic/endoplasmic reticulum Ca2+ transporting 2; plus strand). Cytogenetic location: 12q24.11.
Variant type: Deletion.
Identifiers: ClinVar variation 1073748 (VCV001073748.6).

ClinVar aggregate classification (germline): Pathogenic (1 of 4 stars; one submission).

Submission:

Labcorp Genetics (formerly Invitae), Labcorp
Classification: Pathogenic. Last evaluated: 2017-10-24. Review status: criteria provided, single submitter. Criteria: Invitae Variant Classification Sherloc (09022015). Collection method: clinical testing. Allele origin: germline.
Comment: For these reasons, this variant has been classified as Pathogenic. Loss-of-function variants in ATP2A2 are known to be pathogenic (PMID: 10080178, 10441324). Deletion of exons 1-3 has not been reported in the literature in individuals with ATP2A2-related disease. This variant is a gross deletion of the genomic region encompassing exons 1-3 of the ATP2A2 gene, which includes the initiator codon. The 5' end of this event is unknown as it extends beyond the assayed region for this gene and therefore may encompass additional genes. The 3' boundary is likely confined to intron 3 of the ATP2A2 gene. This is expected to result in an absent or disrupted protein product.

Literature cited by the submitters: PubMed 10080178; PubMed 10441324.